The following is an entry in ClinVar:

NM_013352.4(DSE):c.406C>T (p.Gln136Ter)

Gene: DSE (dermatan sulfate epimerase; plus strand). Cytogenetic location: 6q22.1.
Variant type: single nucleotide variant.
Coding change: c.406C>T on transcript NM_013352.4 (MANE Select); coding-DNA position 406, C replaced by T.
Protein change: p.Gln136Ter; replaces glutamine 136 with a stop codon.
Molecular consequence: nonsense. On other transcripts: 5 prime UTR variant (4), non-coding transcript variant (1).
Genome position (GRCh38, 1-based): chr6:116,399,656, C>T. VCF-style: chr6-116399656-C-T. GRCh37 (hg19) VCF-style: chr6-116720819-C-T.
Other names: c.406C>T, p.Gln136Ter (NM_001080976.3, NM_001322937.2, NM_001322938.2 and 3 more transcripts); c.463C>T, p.Gln155Ter (NM_001322939.2); c.-152C>T (NM_001322940.2, NM_001322941.2); c.-495C>T (NM_001374520.1); c.-182C>T (NM_001374521.1); short protein forms Q136*, Q155*.
Identifiers: ClinVar variation 4807721 (VCV004807721.1).

ClinVar aggregate classification (germline): Pathogenic (1 of 4 stars; one submission).

Conditions:
Ehlers-Danlos syndrome, musculocontractural type 2 (EDSMC2). Identifiers: Orphanet 2953, MedGen C3809845, MONDO:0014236, OMIM 615539.

gnomAD v4.1: 1 of 1,612,602 alleles (0.000062%); highest among the groups gnomAD compares: Non-Finnish European, 0.000085%; no homozygotes.

Submission:

Labcorp Genetics (formerly Invitae), Labcorp
Classification: Pathogenic for Ehlers-Danlos syndrome, musculocontractural type 2. Last evaluated: 2025-09-04. Review status: criteria provided, single submitter. Criteria: Invitae Variant Classification Sherloc (09022015). Collection method: clinical testing. Allele origin: germline.
Comment: This sequence change creates a premature translational stop signal (p.Gln136*) in the DSE gene. It is expected to result in an absent or disrupted protein product. Loss-of-function variants in DSE are known to be pathogenic (PMID: 28229453, 32130795). This variant is present in population databases (rs139921073, gnomAD 0.0009%). This variant has not been reported in the literature in individuals affected with DSE-related conditions. Algorithms developed to predict the effect of sequence changes on RNA splicing suggest that this variant may disrupt the consensus splice site. For these reasons, this variant has been classified as Pathogenic.

Literature cited by the submitters: PubMed 28229453; PubMed 32130795.